The following is an entry in ClinVar:

ClinVar aggregate classification (germline): Uncertain significance (1 of 4 stars; one submission).

Conditions:
STAT3-related early-onset multisystem autoimmune disease. Also called: Autoimmune disease, multisystem, infantile-onset, 1. Identifiers: Orphanet 438159, MedGen C4014795, MONDO:0014414, OMIM 615952.

Submission:

3billion
Classification: Uncertain significance for STAT3-related early-onset multisystem autoimmune disease. Last evaluated: 2025-11-12. Review status: criteria provided, single submitter. Criteria: ACMG Guidelines, 2015. Collection method: clinical testing. Allele origin: germline. Affected: yes.
Comment: The variant is not observed in the gnomAD v4.1.0 dataset. Predicted Consequence/Location: Missense variant. In silico tool predictions suggest damaging effect of the variant on gene or gene product [3Cnet: 0.89 (> 0.75, sensitivity 0.96 and precision 0.92)]. Different missense changes at the same codon (p.Arg278Cys, p.Arg278His) have been reported as pathogenic/likely pathogenic with strong evidence (ClinVar ID: VCV000450010, VCV000850251 /PMID: 28579554, 30443250). Therefore, this variant is classified as VUS according to the recommendation of ACMG/AMP guideline.

Literature cited by the submitters: PubMed 28579554.

NM_139276.3(STAT3):c.833G>T (p.Arg278Leu)

Gene: STAT3 (signal transducer and activator of transcription 3; minus strand). Cytogenetic location: 17q21.2.
Variant type: single nucleotide variant.
Coding change: c.833G>T on transcript NM_139276.3 (MANE Select); coding-DNA position 833, G replaced by T.
Protein change: p.Arg278Leu; replaces arginine 278 with leucine.
Molecular consequence: missense variant.
Genome position (GRCh38, 1-based): chr17:42,334,014, C>A on the plus strand (G>T on the coding strand, the complement: STAT3 is on the minus strand). VCF-style: chr17-42334014-C-A. GRCh37 (hg19) VCF-style: chr17-40486032-C-A.
Other names: c.833G>T, p.Arg278Leu (NM_001369512.1, NM_001369513.1, NM_001369514.1 and 15 more transcripts); c.755G>T, p.Arg252Leu (NM_001384985.1); c.737G>T, p.Arg246Leu (NM_001384989.1); short protein forms R246L, R252L, R278L.
Identifiers: ClinVar variation 4854653 (VCV004854653.1).